The following is an entry in ClinVar:

NM_001291088.2(WDR87):c.4215T>C (p.Ile1405=)

Gene: WDR87 (WD repeat domain 87; minus strand). Cytogenetic location: 19q13.13.
Variant type: single nucleotide variant.
Coding change: c.4215T>C on transcript NM_001291088.2 (MANE Select); coding-DNA position 4215, T replaced by C.
Protein change: p.Ile1405=; no amino-acid change (isoleucine 1405 retained).
Molecular consequence: synonymous variant.
Genome position (GRCh38, 1-based): chr19:37,889,456, A>G on the plus strand (T>C on the coding strand, the complement: WDR87 is on the minus strand). VCF-style: chr19-37889456-A-G. GRCh37 (hg19) VCF-style: chr19-38380096-A-G.
Other names: c.4098T>C, p.Ile1366= (NM_031951.5).
Identifiers: ClinVar variation 2649779 (VCV002649779.26), dbSNP rs534192023, ClinGen allele CA9408666.
Genomic context (GRCh38, chr19:37,889,456, plus strand): 5'-TTCTTTTCCCATGGTTACATTACCTGGTTCTAAAAAAATAACTTTCTTGCCCTTTTTCAA[A>G]ATCACTTGGGTTTCCTCCAAGCCCAGCATGTCTCTTGCTTTCTTTTGTGCTTGTTCTTCT-3'
Protein context (NP_001278017.1, residues 1395-1415): DMLGLEETQV[Ile1405=]LKKGKKVIFL

ClinVar aggregate classification (germline): Benign/Likely benign. Review status: criteria provided, multiple submitters, no conflicts (2 of 4 stars). 2 submissions from 2 submitters: Benign (1); Likely benign (1). Last evaluated 2025-06-25.

Allele frequency attached by ClinVar (database versions not stated): TOPMed 0.00013; gnomAD 0.00030; gnomAD exomes 0.00061; 1000 Genomes Project 30x 0.00187; 1000 Genomes Project 0.00200; ExAC 0.00318.
gnomAD v4.1: 903 of 1,551,518 alleles (0.058%); highest among the groups gnomAD compares: South Asian, 0.84%; 8 homozygotes.

Submissions (2):

Labcorp Genetics (formerly Invitae), Labcorp
Classification: Benign. Last evaluated: 2025-06-25. Review status: criteria provided, single submitter. Criteria: Invitae Variant Classification Sherloc (09022015). Collection method: clinical testing. Allele origin: germline.

CeGaT Center for Human Genetics Tuebingen
Classification: Likely benign. Last evaluated: 2023-03-01. Review status: criteria provided, single submitter. Criteria: CeGaT Center For Human Genetics Tuebingen Variant Classification Criteria Version 2. Collection method: clinical testing. Allele origin: germline. Affected: yes. Observed: 1 variant allele.
Comment: WDR87: BP4, BP7